The following is an entry in ClinVar:

NM_194248.3(OTOF):c.1836_1837del (p.Phe613fs)

Gene: OTOF (otoferlin; minus strand). Cytogenetic location: 2p23.3.
Variant type: Microsatellite.
Coding change: c.1836_1837del on transcript NM_194248.3 (MANE Select); coding-DNA positions 1836 to 1837, 2 bases deleted (CT; older notation c.1836_1837delCT).
Protein change: p.Phe613fs; shifts the reading frame from phenylalanine 613.
Molecular consequence: frameshift variant.
Genome position (GRCh38, 1-based): chr2:26,480,278-26,480,279, AG deleted on the plus strand (CT on the coding strand, the reverse complement: OTOF is on the minus strand); deleting any 2 consecutive bases within chr2:26,480,278-26,480,282 gives the same sequence; the c. name uses the placement nearest the transcript's 3' end. VCF-style (leftmost placement, unchanged base first): chr2-26480277-AAG-A. GRCh37 (hg19) VCF-style: chr2-26703145-AAG-A.
Other names: c.1836_1837del, p.Phe613fs (NM_001287489.2); short protein forms F613fs.
Identifiers: ClinVar variation 3601526 (VCV003601526.1).

ClinVar aggregate classification (germline): Likely pathogenic (1 of 4 stars; one submission).

Conditions:
Autosomal recessive nonsyndromic hearing loss 9. Also called: NEUROSENSORY NONSYNDROMIC RECESSIVE DEAFNESS 9; OTOF-Related Hearing Loss; Deafness, autosomal recessive 9; AUDITORY NEUROPATHY, AUTOSOMAL RECESSIVE, 1, TEMPERATURE-SENSITIVE. Identifiers: Orphanet 90636, MedGen C1832828, MONDO:0010986, OMIM 601071.

Submission:

Institute of Rare Diseases, West China Hospital, Sichuan University
Classification: Likely pathogenic for Autosomal recessive nonsyndromic hearing loss 9. Last evaluated: 2025-01-09. Review status: criteria provided, single submitter. Criteria: ClinGen HL ACMG Specifications v1. Collection method: research. Allele origin: germline. Affected: yes.
Comment: PVS1;PM2_Supporting